The following is an entry in ClinVar:

NM_024312.5(GNPTAB):c.43T>C (p.Ser15Pro)

Gene: GNPTAB (N-acetylglucosamine-1-phosphate transferase subunits alpha and beta; minus strand). Cytogenetic location: 12q23.2.
Variant type: single nucleotide variant.
Coding change: c.43T>C on transcript NM_024312.5 (MANE Select); coding-DNA position 43, T replaced by C.
Protein change: p.Ser15Pro; replaces serine 15 with proline.
Molecular consequence: missense variant.
Genome position (GRCh38, 1-based): chr12:101,830,633, A>G on the plus strand (T>C on the coding strand, the complement: GNPTAB is on the minus strand). VCF-style: chr12-101830633-A-G. GRCh37 (hg19) VCF-style: chr12-102224411-A-G.
Other names: short protein forms S15P.
Identifiers: ClinVar variation 2444222 (VCV002444222.2), dbSNP rs2547989570, ClinGen allele CA386487024.
Genomic context (GRCh38, chr12:101,830,633, plus strand): 5'-AGGCGGAGACGATGGTGACAACGACGCCCAAGAAGCACACGTAGAGCCCATACCTGTGGG[A>G]CAGGCAGGTATAGGTCTGTCTCTGCAGGAGCTTGAACAGCATCACCCCTTCACCGCCACG-3'
Protein context (NP_077288.2, residues 5-25): LLQRQTYTCL[Ser15Pro]HRYGLYVCFL

ClinVar aggregate classification (germline): Uncertain significance. Review status: criteria provided, multiple submitters, no conflicts (2 of 4 stars). 2 submissions from 2 submitters: Uncertain significance (2). Last evaluated 2023-06-22.

Conditions:
Pseudo-Hurler polydystrophy. Also called: ML III; ML III ALPHA/BETA; Type III Mucolipidosis; ML IIIA; Mucolipidosis III Alpha/Beta; MUCOLIPIDOSIS IIIA. Identifiers: Orphanet 423461, Orphanet 577, MedGen C0033788, MONDO:0018931, OMIM 252600.
Mucolipidosis type II. Also called: ML II ALPHA/BETA; Mucolipidosis 2; ML 2; Inclusion cell disease; Leroy Disease; N-acetylglucosamine 1phosphotransferase deficiency. Identifiers: Orphanet 576, MedGen C2673377, MONDO:0009650, OMIM 252500.

Submissions (2):

Neuberg Centre For Genomic Medicine, NCGM
Classification: Uncertain significance for Mucolipidosis type II. Last evaluated: 2023-06-22. Review status: criteria provided, single submitter. Criteria: ACMG Guidelines, 2015. Collection method: clinical testing. Allele origin: germline. Inheritance: Autosomal recessive inheritance. Affected: yes.
Comment: The missense variant c.43T>C (p.Ser15Pro) in the GNPTAB gene has not been reported previously as a pathogenic variant nor as a benign variant, to our knowledge. This variant is absent in the gnomAD Exomes. The amino acid Ser at position 15 is changed to a Pro changing protein sequence and it might alter its composition and physico-chemical properties. This variant has been reported to the ClinVar database as Uncertain Significance. However, no details are available for independent assessment. Multiple lines of computational evidence (Polyphen - Damaging, SIFT - Damaging and MutationTaster - Disease causing) predict a damaging effect on protein structure and function for this variant. The amino acid change p.Ser15Pro in GNPTAB is predicted as conserved by GERP++ and PhyloP across 100 vertebrates. For these reasons, this variant has been classified as Uncertain Significance.

3billion
Classification: Uncertain significance for Pseudo-Hurler polydystrophy. Last evaluated: 2023-02-23. Review status: criteria provided, single submitter. Criteria: ACMG Guidelines, 2015. Collection method: clinical testing. Allele origin: unknown. Affected: yes.
Comment: The variant is not observed in the gnomAD v2.1.1 dataset. Protein truncation variants are a common disease-causing mechanism. In silico tool predictions suggest damaging effect of the variant on gene or gene product (3Cnet: 0.86). A different missense change at the same codon (p.Ser15Tyr) has been reported to be associated with GNPTAB related disorder (ClinVar ID: VCV000039081 / PMID: 19617216). However, the evidence of pathogenicity is insufficient at this time. Therefore, this variant is classified as VUS according to the recommendation of ACMG/AMP guideline.

Literature cited by the submitters: PubMed 19617216 (cited by 3billion).